The following is an entry in ClinVar:

NM_001378452.1(ITPR1):c.6602C>T (p.Thr2201Met)

Gene: ITPR1 (inositol 1,4,5-trisphosphate receptor type 1; plus strand). Cytogenetic location: 3p26.1.
Variant type: single nucleotide variant.
Coding change: c.6602C>T on transcript NM_001378452.1 (MANE Select); coding-DNA position 6602, C replaced by T.
Protein change: p.Thr2201Met; replaces threonine 2201 with methionine.
Molecular consequence: missense variant.
Genome position (GRCh38, 1-based): chr3:4,783,907, C>T. VCF-style: chr3-4783907-C-T. GRCh37 (hg19) VCF-style: chr3-4825591-C-T.
Other names: c.6458C>T, p.Thr2153Met (NM_001099952.4); c.6557C>T, p.Thr2186Met (NM_001168272.2); c.6413C>T, p.Thr2138Met (NM_002222.7); short protein forms T2201M, T2138M, T2153M, T2186M.
Identifiers: ClinVar variation 4763772 (VCV004763772.1).

ClinVar aggregate classification (germline): Uncertain significance (1 of 4 stars; one submission).

gnomAD v4.1: 9 of 1,604,822 alleles (0.00056%); highest among the groups gnomAD compares: East Asian, 0.0022%; no homozygotes.

Submission:

Labcorp Genetics (formerly Invitae), Labcorp
Classification: Uncertain significance. Last evaluated: 2025-10-03. Review status: criteria provided, single submitter. Criteria: Invitae Variant Classification Sherloc (09022015). Collection method: clinical testing. Allele origin: germline.
Comment: This sequence change replaces threonine, which is neutral and polar, with methionine, which is neutral and non-polar, at codon 2138 of the ITPR1 protein (p.Thr2138Met). The frequency data for this variant in the population databases is considered unreliable, as metrics indicate poor data quality at this position in the gnomAD database. This missense change has been observed in individual(s) with neurodevelopmental disorders (PMID: 28191889). This variant is also known as c.6557C>T . Invitae Evidence Modeling of protein sequence and biophysical properties (such as structural, functional, and spatial information, amino acid conservation, physicochemical variation, residue mobility, and thermodynamic stability) indicates that this missense variant is expected to disrupt ITPR1 protein function with a positive predictive value of 95%. In summary, the available evidence is currently insufficient to determine the role of this variant in disease. Therefore, it has been classified as a Variant of Uncertain Significance.

Literature cited by the submitters: PubMed 28191889.